The following is an entry in ClinVar:

NM_000137.4(FAH):c.-105G>C

Genes: FAH (fumarylacetoacetate hydrolase; plus strand), LOC130057734 (ATAC-STARR-seq lymphoblastoid silent region 6731; plus strand). Cytogenetic location: 15q25.1.
Variant type: single nucleotide variant.
Coding change: c.-105G>C on transcript NM_000137.4 (MANE Select); 105 bases upstream of the start codon, G replaced by C.
Molecular consequence: genic upstream transcript variant. On other transcripts: intron variant (2).
Genome position (GRCh38, 1-based): chr15:80,152,950, G>C. VCF-style: chr15-80152950-G-C. GRCh37 (hg19) VCF-style: chr15-80445292-G-C.
Other names: c.-30+45G>C (NM_001374377.1); c.-29-76G>C (NM_001374380.1).
Identifiers: ClinVar variation 317196 (VCV000317196.14), dbSNP rs112474268, ClinGen allele CA10636590.
Genomic context (GRCh38, chr15:80,152,950, plus strand): 5'-TGAGACCAAAAGTCAGGTAGGAGCCTCCGGGGTCCCTGCTGTGTCACCCGGACAGGCCGT[G>C]GGGGCGGGCAGGGGGGCGGGGCCGGGCCTGACCACAGCGGCCGAGTTCAGTCCTGCTCTC-3'

ClinVar aggregate classification (germline): Benign. Review status: criteria provided, multiple submitters, no conflicts (2 of 4 stars). 5 submissions from 5 submitters: Benign (4). 1 of the submissions does not count toward it. Last evaluated 2021-07-01.

Conditions:
Tyrosinemia type I (TYRSN1). Also called: Tyrosinemia type 1; Fumarylacetoacetase deficiency; Deficiency of fumarylacetoacetase; FAH DEFICIENCY; HEPATORENAL TYROSINEMIA. Identifiers: Orphanet 882, MedGen C0268490, MONDO:0010161, OMIM 276700. Disease mechanism: loss of function.

Allele frequency attached by ClinVar (database versions not stated): gnomAD 0.23230 and 0.23011; gnomAD exomes 0.27933; 1000 Genomes Project 30x 0.18598; 1000 Genomes Project 0.18650; TOPMed 0.21952.
gnomAD v4.1: 264,758 of 975,720 alleles (27%); highest among the groups gnomAD compares: Non-Finnish European, 30%; 37,728 homozygotes.

Submissions (5):

Genome-Nilou Lab
Classification: Benign for Tyrosinemia type I. Last evaluated: 2021-07-01. Review status: criteria provided, single submitter. Criteria: ACMG Guidelines, 2015. Collection method: clinical testing. Allele origin: germline. Affected: no.

GeneDx
Classification: Benign. Last evaluated: 2018-06-29. Review status: criteria provided, single submitter. Criteria: GeneDx Variant Classification Process June 2021. Collection method: clinical testing. Allele origin: germline. Affected: yes.

Illumina Laboratory Services, Illumina
Classification: Benign for Tyrosinemia type I. Last evaluated: 2018-01-13. Review status: criteria provided, single submitter. Criteria: ICSL Variant Classification Criteria 13 December 2019. Collection method: clinical testing. Allele origin: germline.
Comment: This variant was observed in the ICSL laboratory as part of a predisposition screen in an ostensibly healthy population. It had not been previously curated by ICSL or reported in the Human Gene Mutation Database (HGMD: prior to June 1st, 2018), and was therefore a candidate for classification through an automated scoring system. Utilizing variant allele frequency, disease prevalence and penetrance estimates, and inheritance mode, an automated score was calculated to assess if this variant is too frequent to cause the disease. Based on the score and internal cut-off values, a variant classified as benign is not then subjected to further curation. The score for this variant resulted in a classification of benign for this disease.

Breakthrough Genomics
Classification: Benign. Review status: criteria provided, single submitter. Criteria: ACMG Guidelines, 2015. Collection method: not provided. Allele origin: germline. Inheritance: Autosomal recessive inheritance. Affected: yes.

Natera, Inc.
Classification: Benign for Tyrosinemia type I. Last evaluated: 2019-07-26. Review status: no assertion criteria provided. Collection method: clinical testing. Allele origin: germline. Not counted in ClinVar's aggregate classification.